The following is an entry in ClinVar:

NM_032638.5(GATA2):c.291G>A (p.Trp97Ter)

Gene: GATA2 (GATA binding protein 2; minus strand). Cytogenetic location: 3q21.3.
Variant type: single nucleotide variant.
Coding change: c.291G>A on transcript NM_032638.5 (MANE Select); coding-DNA position 291, G replaced by A.
Protein change: p.Trp97Ter; replaces tryptophan 97 with a stop codon.
Molecular consequence: nonsense.
Genome position (GRCh38, 1-based): chr3:128,486,307, C>T on the plus strand (G>A on the coding strand, the complement: GATA2 is on the minus strand). VCF-style: chr3-128486307-C-T. GRCh37 (hg19) VCF-style: chr3-128205150-C-T.
Other names: c.291G>A, p.Trp97Ter (NM_001145661.2, NM_001145662.1); short protein forms W97*.
Identifiers: ClinVar variation 4991542 (VCV004991542.1).

ClinVar aggregate classification (germline): Likely pathogenic (1 of 4 stars; one submission).

Conditions:
GATA2-related disorder. Also called: GATA2-related condition; GATA2-Related Disorders.

Submission:

PreventionGenetics, part of Exact Sciences
Classification: Likely pathogenic for GATA2-related condition. Last evaluated: 2026-08-17. Review status: criteria provided, single submitter. Criteria: ACMG Guidelines, 2015. Collection method: clinical testing. Allele origin: germline.
Comment: The GATA2 c.291G>A variant is predicted to result in premature protein termination (p.Trp97*). To our knowledge, this variant has not been reported in the literature or in a large population database (gnomAD), indicating this variant is rare. Nonsense variants in GATA2 are expected to be pathogenic. This variant is interpreted as likely pathogenic.